The following is an entry in ClinVar:

NM_001358921.2(COQ2):c.585C>G (p.Tyr195Ter)

Gene: COQ2 (coenzyme Q2, polyprenyltransferase; minus strand). Cytogenetic location: 4q21.23.
Variant type: single nucleotide variant.
Coding change: c.585C>G on transcript NM_001358921.2 (MANE Select); coding-DNA position 585, C replaced by G.
Protein change: p.Tyr195Ter; replaces tyrosine 195 with a stop codon.
Molecular consequence: nonsense.
Genome position (GRCh38, 1-based): chr4:83,272,130, G>C on the plus strand (C>G on the coding strand, the complement: COQ2 is on the minus strand). VCF-style: chr4-83272130-G-C. GRCh37 (hg19) VCF-style: chr4-84193283-G-C.
Other names: c.735C>G, p.Tyr245Ter (NM_015697.9); short protein forms Y245*, Y195*.
Identifiers: ClinVar variation 489363 (VCV000489363.2), dbSNP rs1553915525, ClinGen allele CA357230040.

ClinVar aggregate classification (germline): Likely pathogenic (1 of 4 stars; one submission).

Allele frequency attached by ClinVar (database versions not stated): gnomAD exomes 0.00002.
gnomAD v4.1: 19 of 1,611,238 alleles (0.0012%); highest among the groups gnomAD compares: Non-Finnish European, 0.0016%; no homozygotes.

Submission:

GeneDx
Classification: Likely pathogenic. Last evaluated: 2018-02-02. Review status: criteria provided, single submitter. Criteria: GeneDx Variant Classification (06012015). Collection method: clinical testing. Allele origin: germline. Affected: yes.
Comment: The Y245X variant has not been published as a pathogenic variant, nor has it been reported as a benign variant to our knowledge. The Y245X variant is not observed in large population cohorts (Lek et al., 2016). The Y245X nonsense variant is predicted to cause loss of normal protein function either through protein truncation or nonsense-mediated mRNA decay. In summary, we interpret this variant as pathogenic.